The following is an entry in ClinVar:

ClinVar aggregate classification (germline): Uncertain significance (1 of 4 stars; one submission).

Conditions:
Nephronophthisis. Also called: Juvenile Nephronophthisis. Identifiers: Orphanet 655, MedGen C0687120, MONDO:0019005, HP:0000090.

Submission:

Labcorp Genetics (formerly Invitae), Labcorp
Classification: Uncertain significance for Nephronophthisis. Last evaluated: 2022-04-28. Review status: criteria provided, single submitter. Criteria: Invitae Variant Classification Sherloc (09022015). Collection method: clinical testing. Allele origin: germline.
Comment: In summary, the available evidence is currently insufficient to determine the role of this variant in disease. Therefore, it has been classified as a Variant of Uncertain Significance. Variants that disrupt the consensus splice site are a relatively common cause of aberrant splicing (PMID: 17576681, 9536098). Algorithms developed to predict the effect of sequence changes on RNA splicing suggest that this variant may disrupt the consensus splice site. This variant has not been reported in the literature in individuals affected with NPHP1-related conditions. This variant is not present in population databases (gnomAD no frequency). This sequence change falls in intron 18 of the NPHP1 gene. It does not directly change the encoded amino acid sequence of the NPHP1 protein. It affects a nucleotide within the consensus splice site.

Literature cited by the submitters: PubMed 17576681; PubMed 9536098.

NM_001128178.3(NPHP1):c.1716+5G>T

Gene: NPHP1 (nephrocystin 1; minus strand). Cytogenetic location: 2q13.
Variant type: single nucleotide variant.
Coding change: c.1716+5G>T on transcript NM_001128178.3 (MANE Select); 5 bases into the intron after coding-DNA position 1716, G replaced by T.
Molecular consequence: intron variant.
Genome position (GRCh38, 1-based): chr2:110,129,181, C>A on the plus strand (G>T on the coding strand, the complement: NPHP1 is on the minus strand). VCF-style: chr2-110129181-C-A. GRCh37 (hg19) VCF-style: chr2-110886758-C-A.
Other names: c.1527+5G>T (NM_001128179.3); c.1713+5G>T (NM_001374256.1); c.1716+5G>T (NM_001374257.1); c.1881+5G>T (NM_207181.4); c.1884+5G>T (NM_000272.5).
Identifiers: ClinVar variation 2131352 (VCV002131352.4), dbSNP rs2467154529, ClinGen allele CA2580063735.